The following is an entry in ClinVar:

NM_001114086.2(CLIC5):c.134A>G (p.Asp45Gly)

Gene: CLIC5 (CLIC family member 5; minus strand). Cytogenetic location: 6p21.1.
Variant type: single nucleotide variant.
Coding change: c.134A>G on transcript NM_001114086.2; coding-DNA position 134, A replaced by G.
Protein change: p.Asp45Gly; replaces aspartic acid 45 with glycine.
Molecular consequence: missense variant. On other transcripts: intron variant (1).
Genome position (GRCh38, 1-based): chr6:46,080,109, T>C on the plus strand (A>G on the coding strand, the complement: CLIC5 is on the minus strand). VCF-style: chr6-46080109-T-C. GRCh37 (hg19) VCF-style: chr6-46047846-T-C.
Other names: p.Asp45Gly; c.134A>G (NM_001114086.1); c.134A>G, p.Asp45Gly (NM_001370650.1); c.-55+49395A>G (NM_001370649.1); short protein forms D45G.
Identifiers: ClinVar variation 3634976 (VCV003634976.3).

ClinVar aggregate classification (germline): Uncertain significance. Review status: criteria provided, multiple submitters, no conflicts (2 of 4 stars). 3 submissions from 3 submitters: Uncertain significance (3). Last evaluated 2026-01-05.

Conditions:
CLIC5-related disorder. Also called: CLIC5-related condition.

gnomAD v4.1: 42 of 1,551,720 alleles (0.0027%); highest among the groups gnomAD compares: East Asian, 0.1%; no homozygotes.

Submissions (3):

PreventionGenetics, part of Exact Sciences
Classification: Uncertain significance for CLIC5-related condition. Last evaluated: 2026-01-05. Review status: criteria provided, single submitter. Criteria: ACMG Guidelines, 2015. Collection method: clinical testing. Allele origin: germline.
Comment: The CLIC5 c.134A>G variant is predicted to result in the amino acid substitution p.Asp45Gly. To our knowledge, this variant has not been reported in the literature. This variant is reported in 0.10% of alleles in individuals of East Asian descent in gnomAD. Although we suspect that this variant may be benign, at this time, the clinical significance of this variant is uncertain due to the absence of conclusive functional and genetic evidence.

Mayo Clinic Laboratories, Mayo Clinic
Classification: Uncertain significance. Last evaluated: 2025-03-14. Review status: criteria provided, single submitter. Criteria: ACMG Guidelines, 2015. Collection method: clinical testing. Allele origin: germline. Observed: 1 variant allele.
Comment: BP4, PM2_supporting

Labcorp Genetics (formerly Invitae), Labcorp
Classification: Uncertain significance. Last evaluated: 2025-02-04. Review status: criteria provided, single submitter. Criteria: Invitae Variant Classification Sherloc (09022015). Collection method: clinical testing. Allele origin: germline.
Comment: This sequence change replaces aspartic acid, which is acidic and polar, with glycine, which is neutral and non-polar, at codon 45 of the CLIC5 protein (p.Asp45Gly). This variant is present in population databases (no rsID available, gnomAD 0.1%), and has an allele count higher than expected for a pathogenic variant. This variant has not been reported in the literature in individuals affected with CLIC5-related conditions. An algorithm developed to predict the effect of missense changes on protein structure and function (PolyPhen-2) suggests that this variant is likely to be tolerated. In summary, the available evidence is currently insufficient to determine the role of this variant in disease. Therefore, it has been classified as a Variant of Uncertain Significance.